The following is an entry in ClinVar:

ClinVar aggregate classification (germline): Benign/Likely benign. Review status: criteria provided, multiple submitters, no conflicts (2 of 4 stars). 7 submissions from 7 submitters: Benign (3); Likely benign (4). Last evaluated 2026-01-15.

Conditions:
Familial thoracic aortic aneurysm and aortic dissection (TAAD). Also called: Thoracic aortic aneurysms and dissections. Identifiers: Orphanet 91387, MedGen C4707243, MONDO:0019625.
Congenital contractural arachnodactyly (CCA). Also called: BEALS SYNDROME; Beals-Hecht syndrome; Arthrogryposis, distal, type 9. Identifiers: Orphanet 115, MedGen C0220668, MONDO:0007363, OMIM 121050.

Allele frequency attached by ClinVar (database versions not stated): gnomAD 0.00001; TOPMed 0.00003; 1000 Genomes Project 30x 0.00250; 1000 Genomes Project 0.00260.
gnomAD v4.1: 1,010 of 1,613,918 alleles (0.063%); highest among the groups gnomAD compares: South Asian, 0.95%; 14 homozygotes.

Submissions (7):

Labcorp Genetics (formerly Invitae), Labcorp
Classification: Benign for Congenital contractural arachnodactyly. Last evaluated: 2026-01-15. Review status: criteria provided, single submitter. Criteria: Invitae Variant Classification Sherloc (09022015). Collection method: clinical testing. Allele origin: germline.

Blueprint Genetics
Classification: Likely benign. Last evaluated: 2024-11-21. Review status: criteria provided, single submitter. Criteria: ACMG Guidelines, 2015. Collection method: clinical testing. Allele origin: germline.

Ambry Genetics
Classification: Likely benign for Familial thoracic aortic aneurysm and aortic dissection. Last evaluated: 2021-11-02. Review status: criteria provided, single submitter. Criteria: Ambry Variant Classification Scheme 2023. Collection method: clinical testing. Allele origin: germline.

ARUP Laboratories, Molecular Genetics and Genomics, ARUP Laboratories
Classification: Likely benign. Last evaluated: 2020-07-24. Review status: criteria provided, single submitter. Criteria: ARUP Molecular Germline Variant Investigation Process. Collection method: clinical testing. Allele origin: germline.

GeneDx
Classification: Benign. Last evaluated: 2018-01-23. Review status: criteria provided, single submitter. Criteria: GeneDx Variant Classification (06012015). Collection method: clinical testing. Allele origin: germline. Affected: yes.
Comment: This variant is considered likely benign or benign based on one or more of the following criteria: it is a conservative change, it occurs at a poorly conserved position in the protein, it is predicted to be benign by multiple in silico algorithms, and/or has population frequency not consistent with disease.

Illumina Laboratory Services, Illumina
Classification: Benign for Congenital contractural arachnodactyly. Last evaluated: 2018-01-13. Review status: criteria provided, single submitter. Criteria: ICSL Variant Classification Criteria 13 December 2019. Collection method: clinical testing. Allele origin: germline.
Comment: This variant was observed in the ICSL laboratory as part of a predisposition screen in an ostensibly healthy population. It had not been previously curated by ICSL or reported in the Human Gene Mutation Database (HGMD: prior to June 1st, 2018), and was therefore a candidate for classification through an automated scoring system. Utilizing variant allele frequency, disease prevalence and penetrance estimates, and inheritance mode, an automated score was calculated to assess if this variant is too frequent to cause the disease. Based on the score and internal cut-off values, a variant classified as benign is not then subjected to further curation. The score for this variant resulted in a classification of benign for this disease.

PreventionGenetics, part of Exact Sciences
Classification: Likely benign. Review status: criteria provided, single submitter. Criteria: ACMG Guidelines, 2015. Collection method: clinical testing. Allele origin: germline.

NM_001999.4(FBN2):c.2042G>A (p.Arg681His)

Gene: FBN2 (fibrillin 2; minus strand). Cytogenetic location: 5q23.3.
Variant type: single nucleotide variant.
Coding change: c.2042G>A on transcript NM_001999.4 (MANE Select); coding-DNA position 2042, G replaced by A.
Protein change: p.Arg681His; replaces arginine 681 with histidine.
Molecular consequence: missense variant.
Genome position (GRCh38, 1-based): chr5:128,374,681, C>T on the plus strand (G>A on the coding strand, the complement: FBN2 is on the minus strand). VCF-style: chr5-128374681-C-T. GRCh37 (hg19) VCF-style: chr5-127710374-C-T.
Other names: short protein forms R681H.
Identifiers: ClinVar variation 213283 (VCV000213283.27), dbSNP rs548605398, ClinGen allele CA323080.